The following is an entry in ClinVar:

ClinVar aggregate classification (germline): Uncertain significance. Review status: criteria provided, multiple submitters, no conflicts (2 of 4 stars). 2 submissions from 2 submitters: Uncertain significance (2). Last evaluated 2026-10-01.

Conditions:
Mosaic variegated aneuploidy syndrome 1 (MVA1). Also called: Warburton-Anyane-Yeboa syndrome. Identifiers: Orphanet 1052, MedGen C1850343, MONDO:0009759, OMIM 257300.
Inborn genetic diseases. Identifiers: MedGen C0950123, MeSH D030342.

Allele frequency attached by ClinVar (database versions not stated): ExAC 0.00001; gnomAD 0.00001; TOPMed 0.00002.
gnomAD v4.1: 2 of 1,614,094 alleles (0.00012%); highest among the groups gnomAD compares: African/African-American, 0.0027%; no homozygotes.

Submissions (2):

St. Jude Molecular Pathology, St. Jude Children's Research Hospital
Classification: Uncertain significance for Mosaic variegated aneuploidy syndrome 1. Last evaluated: 2026-10-01. Review status: criteria provided, single submitter. Criteria: St. Jude Assertion Criteria 2020. Collection method: clinical testing. Allele origin: germline.
Comment: The BUB1B c.146C>T p.(Ser49Phe) missense change has a maximum subpopulation frequency of 0.008%in gnomAD v2.1.1. The in silico tool REVEL predicts a benign effect on protei n function, but to our knowledge this prediction has not been confirmed by functional studies. To our knowledge, this variant has not been reported in individuals with mosaic variegated aneuploidy syndrome. In summary, the evidence currently available is insufficient to determine the clinical significance of this variant. It has therefore been classified as of uncertain significance.

Ambry Genetics
Classification: Uncertain significance for Inborn genetic diseases. Last evaluated: 2021-06-14. Review status: criteria provided, single submitter. Criteria: Ambry Variant Classification Scheme 2023. Collection method: clinical testing. Allele origin: germline.
Comment: The p.S49F variant (also known as c.146C>T), located in coding exon 2 of the BUB1B gene, results from a C to T substitution at nucleotide position 146. The serine at codon 49 is replaced by phenylalanine, an amino acid with highly dissimilar properties. This amino acid position is conserved. In addition, this alteration is predicted to be tolerated by in silico analysis. Since supporting evidence is limited at this time, the clinical significance of this alteration remains unclear.

NM_001211.6(BUB1B):c.146C>T (p.Ser49Phe)

Gene: BUB1B (BUB1 mitotic checkpoint serine/threonine kinase B; plus strand). Cytogenetic location: 15q15.1.
Variant type: single nucleotide variant.
Coding change: c.146C>T on transcript NM_001211.6 (MANE Select); coding-DNA position 146, C replaced by T.
Protein change: p.Ser49Phe; replaces serine 49 with phenylalanine.
Molecular consequence: missense variant.
Genome position (GRCh38, 1-based): chr15:40,165,163, C>T. VCF-style: chr15-40165163-C-T. GRCh37 (hg19) VCF-style: chr15-40457364-C-T.
Other names: short protein forms S49F.
Identifiers: ClinVar variation 1773332 (VCV001773332.3), dbSNP rs780380816, ClinGen allele CA7475357.
Genomic context (GRCh38, chr15:40,165,163, plus strand): 5'-TACAACCTTTAAGGCAAGGGCGGATCATGTCCACGCTTCAGGGAGCACTGGCACAAGAAT[C>T]TGCCTGTAACAATACTCTTCAGCAGCAGAAACGGTGTGTAGAATGGCTGAGTCTCAACCT-3'
Protein context (NP_001202.5, residues 39-59): STLQGALAQE[Ser49Phe]ACNNTLQQQK